The following is an entry in ClinVar:

NM_145038.5(DRC1):c.106_120dup (p.Ile36_Arg40dup)

Gene: DRC1 (dynein regulatory complex subunit 1; plus strand). Cytogenetic location: 2p23.3.
Variant type: Duplication.
Coding change: c.106_120dup on transcript NM_145038.5 (MANE Select); coding-DNA positions 106 to 120, 15 bases duplicated (ATCCAGGCCCGGCGC).
Protein change: p.Ile36_Arg40dup.
Molecular consequence: inframe insertion.
Genome position (GRCh38, 1-based): chr2:26,402,095-26,402,109, ATCCAGGCCCGGCGC duplicated; duplicating any 15 consecutive bases within chr2:26,402,091-26,402,109 gives the same sequence; the c. name uses the placement nearest the transcript's 3' end. VCF-style (leftmost placement, unchanged base first): chr2-26402090-A-AGCGCATCCAGGCCCG. GRCh37 (hg19) VCF-style: chr2-26624958-A-AGCGCATCCAGGCCCG.
Identifiers: ClinVar variation 861286 (VCV000861286.10), dbSNP rs1678261374, ClinGen allele CA916082517.

ClinVar aggregate classification (germline): Uncertain significance (1 of 4 stars; one submission).

Conditions:
Primary ciliary dyskinesia. Also called: Ciliary dyskinesia. Identifiers: Orphanet 244, MedGen C0008780, MONDO:0016575, HP:0012265.

Submission:

Labcorp Genetics (formerly Invitae), Labcorp
Classification: Uncertain significance for Primary ciliary dyskinesia. Last evaluated: 2019-04-19. Review status: criteria provided, single submitter. Criteria: Invitae Variant Classification Sherloc (09022015). Collection method: clinical testing. Allele origin: germline.
Comment: This variant, c.106_120dup, results in the insertion of 5 amino acids to the DRC1 protein (p.Ile36_Arg40dup) but otherwise preserves the integrity of the reading frame. This variant is not present in population databases (ExAC no frequency). This variant has not been reported in the literature in individuals with DRC1-related conditions. Algorithms developed to predict the effect of sequence changes on RNA splicing suggest that this variant may create or strengthen a splice site, but this prediction has not been confirmed by published transcriptional studies. In summary, the available evidence is currently insufficient to determine the role of this variant in disease. Therefore, it has been classified as a Variant of Uncertain Significance. Experimental studies and prediction algorithms are not available for this variant, and the functional significance of the affected amino acids is currently unknown.